The following is an entry in ClinVar:

NM_001853.4(COL9A3):c.1401+10C>T

Genes: COL9A3 (collagen type IX alpha 3 chain; plus strand), LOC126863084 (MED14-independent group 3 enhancer GRCh37_chr20:61467141-61468340; plus strand). Cytogenetic location: 20q13.33.
Variant type: single nucleotide variant.
Coding change: c.1401+10C>T on transcript NM_001853.4 (MANE Select); 10 bases into the intron after coding-DNA position 1401, C replaced by T.
Molecular consequence: intron variant.
Genome position (GRCh38, 1-based): chr20:62,835,963, C>T. VCF-style: chr20-62835963-C-T. GRCh37 (hg19) VCF-style: chr20-61467315-C-T.
Other names: c.1401+10C>T (NM_001853.3).
Identifiers: ClinVar variation 1531889 (VCV001531889.10), dbSNP rs377161266, ClinGen allele CA9949939.

ClinVar aggregate classification (germline): Likely benign. Review status: criteria provided, multiple submitters, no conflicts (2 of 4 stars). 3 submissions from 3 submitters: Likely benign (3). Last evaluated 2025-10-27.

Conditions:
COL9A3-related disorder. Also called: COL9A3-related condition.

Allele frequency attached by ClinVar (database versions not stated): gnomAD exomes 0.00004 and 0.00008; ExAC 0.00007; gnomAD 0.00009; TOPMed 0.00011; ESP Exome Variant Server 0.00023.
gnomAD v4.1: 71 of 1,614,100 alleles (0.0044%); highest among the groups gnomAD compares: Admixed American, 0.025%; no homozygotes.

Submissions (3):

Labcorp Genetics (formerly Invitae), Labcorp
Classification: Likely benign. Last evaluated: 2025-10-27. Review status: criteria provided, single submitter. Criteria: Invitae Variant Classification Sherloc (09022015). Collection method: clinical testing. Allele origin: germline.

PreventionGenetics, part of Exact Sciences
Classification: Likely benign for COL9A3-related condition. Last evaluated: 2025-09-30. Review status: criteria provided, single submitter. Criteria: ACMG Guidelines, 2015. Collection method: clinical testing. Allele origin: germline.
Comment: This variant is classified as likely benign based on ACMG/AMP sequence variant interpretation guidelines (Richards et al. 2015 PMID: 25741868, with internal and published modifications).

Blueprint Genetics
Classification: Likely benign. Last evaluated: 2022-08-22. Review status: criteria provided, single submitter. Criteria: ACMG Guidelines, 2015. Collection method: clinical testing. Allele origin: germline.